The following is an entry in ClinVar:

NM_003913.5(PRP4K):c.1464C>T (p.Arg488=)

Gene: PRP4K (pre-mRNA processing factor kinase PRP4K; plus strand). Cytogenetic location: 6p25.2.
Variant type: single nucleotide variant.
Coding change: c.1464C>T on transcript NM_003913.5 (MANE Select); coding-DNA position 1464, C replaced by T.
Protein change: p.Arg488=; no amino-acid change (arginine 488 retained).
Molecular consequence: synonymous variant. On other transcripts: non-coding transcript variant (3).
Genome position (GRCh38, 1-based): chr6:4,040,823, C>T. VCF-style: chr6-4040823-C-T. GRCh37 (hg19) VCF-style: chr6-4041057-C-T.
Identifiers: ClinVar variation 2656189 (VCV002656189.24), dbSNP rs532267331, ClinGen allele CA3620955.
Genomic context (GRCh38, chr6:4,040,823, plus strand): 5'-TTTAAATAGGGACAGAGGTCGGAGGAGCAGATCACGCTTGCGAAGGCGGTCTCGATCACG[C>T]GGTGGTCGTAGACGAAGGAGCAGAAGCAAAGTAAAGGAAGATAAATTTAAAGGAAGTCTT-3'
Protein context (NP_003904.3, residues 478-498): RSRLRRRSRS[Arg488=]GGRRRRSRSK

ClinVar aggregate classification (germline): Likely benign (1 of 4 stars; one submission).

Allele frequency attached by ClinVar (database versions not stated): TOPMed 0.00008; gnomAD 0.00012; gnomAD exomes 0.00023; ExAC 0.00054; 1000 Genomes Project 0.00100; 1000 Genomes Project 30x 0.00125.
gnomAD v4.1: 355 of 1,613,694 alleles (0.022%); highest among the groups gnomAD compares: South Asian, 0.3%; 5 homozygotes.

Submission:

CeGaT Center for Human Genetics Tuebingen
Classification: Likely benign. Last evaluated: 2022-10-01. Review status: criteria provided, single submitter. Criteria: CeGaT Center For Human Genetics Tuebingen Variant Classification Criteria Version 2. Collection method: clinical testing. Allele origin: germline. Affected: yes. Observed: 1 variant allele.
Comment: PRP4K: BP4, BP7